The following is an entry in ClinVar:

ClinVar aggregate classification (germline): Likely pathogenic (1 of 4 stars; one submission).

Conditions:
Abetalipoproteinaemia (ABL). Also called: MTP DEFICIENCY; Abetalipoproteinemia; Abetalipoproteinemia neuropathy; Apolipoprotein B deficiency; Congenital betalipoprotein deficiency syndrome. Identifiers: Orphanet 14, MedGen C0000744, MONDO:0008692, OMIM 200100, HP:0008181.

Submission:

Natera, Inc.
Classification: Likely pathogenic for Abetalipoproteinemia. Last evaluated: 2024-08-06. Review status: criteria provided, single submitter. Criteria: Natera Variant Classification Schema (03/2026). Collection method: clinical testing. Allele origin: germline.
Comment: The c.506A>T variant in MTTP is a missense variant predicted to cause substitution of aspartic acid to valine at amino acid 169. This variant is rare in the general population with a frequency below the threshold expected for the associated phenotype(s). This variant has been observed in one or more individuals affected with the associated recessive disease, as either homozygous or compound heterozygous with a second variant (PMID: 26224785, 31914726). Functional studies show that this variant may disrupt protein function (PMID: 26224785). Computational prediction algorithms indicate this variant is likely to affect gene or protein function. Given the available evidence, this variant is classified as Likely Pathogenic.

Literature cited by the submitters: PubMed 26224785; PubMed 31914726.

NM_001386140.1(MTTP):c.506A>T (p.Asp169Val)

Gene: MTTP (microsomal triglyceride transfer protein; plus strand). Cytogenetic location: 4q23.
Variant type: single nucleotide variant.
Coding change: c.506A>T on transcript NM_001386140.1 (MANE Select); coding-DNA position 506, A replaced by T.
Protein change: p.Asp169Val; replaces aspartic acid 169 with valine.
Molecular consequence: missense variant.
Genome position (GRCh38, 1-based): chr4:99,591,239, A>T. VCF-style: chr4-99591239-A-T. GRCh37 (hg19) VCF-style: chr4-100512396-A-T.
Other names: c.506A>T, p.Asp169Val (NM_000253.4); c.257A>T, p.Asp86Val (NM_001300785.2); short protein forms D169V, D86V.
Identifiers: ClinVar variation 4817993 (VCV004817993.1).
Genomic context (GRCh38, chr4:99,591,239, plus strand): 5'-GAATTCAAATGGCCCACAAGGAATCCCAAGCATTATGCCCTTGCCTTTCTTTTTAGGTAG[A>T]TATCTCTGGAAATTGTAAAGTGACCTACCAGGCTCATCAAGACAAAGTGATCAAAATTAA-3'
Protein context (NP_001373069.1, residues 159-179): QLSSGTTNEV[Asp169Val]ISGNCKVTYQ